The following is an entry in ClinVar:

ClinVar aggregate classification (germline): Uncertain significance (1 of 4 stars; one submission).

Conditions:
Werner syndrome (WRN). Identifiers: Orphanet 902, MedGen C0043119, MONDO:0010196, OMIM 277700.

Submission:

Labcorp Genetics (formerly Invitae), Labcorp
Classification: Uncertain significance for Werner syndrome. Last evaluated: 2023-04-04. Review status: criteria provided, single submitter. Criteria: Invitae Variant Classification Sherloc (09022015). Collection method: clinical testing. Allele origin: germline.
Comment: In summary, the available evidence is currently insufficient to determine the role of this variant in disease. Therefore, it has been classified as a Variant of Uncertain Significance. An algorithm developed to predict the effect of missense changes on protein structure and function (PolyPhen-2) suggests that this variant is likely to be disruptive. This variant has not been reported in the literature in individuals affected with WRN-related conditions. This variant is not present in population databases (gnomAD no frequency). This sequence change replaces tryptophan, which is neutral and slightly polar, with serine, which is neutral and polar, at codon 761 of the WRN protein (p.Trp761Ser).

NM_000553.6(WRN):c.2282G>C (p.Trp761Ser)

Gene: WRN (WRN RecQ like helicase; plus strand). Cytogenetic location: 8p12.
Variant type: single nucleotide variant.
Coding change: c.2282G>C on transcript NM_000553.6 (MANE Select); coding-DNA position 2282, G replaced by C.
Protein change: p.Trp761Ser; replaces tryptophan 761 with serine.
Molecular consequence: missense variant.
Genome position (GRCh38, 1-based): chr8:31,116,362, G>C. VCF-style: chr8-31116362-G-C. GRCh37 (hg19) VCF-style: chr8-30973878-G-C.
Other names: short protein forms W761S.
Identifiers: ClinVar variation 2851935 (VCV002851935.3), dbSNP rs2535978138, ClinGen allele CA370913353.